The following is an entry in ClinVar:

NM_002582.4(PARN):c.1733T>G (p.Leu578Arg)

Gene: PARN (poly(A)-specific ribonuclease; minus strand). Cytogenetic location: 16p13.12.
Variant type: single nucleotide variant.
Coding change: c.1733T>G on transcript NM_002582.4 (MANE Select); coding-DNA position 1733, T replaced by G.
Protein change: p.Leu578Arg; replaces leucine 578 with arginine.
Molecular consequence: missense variant.
Genome position (GRCh38, 1-based): chr16:14,447,019, A>C on the plus strand (T>G on the coding strand, the complement: PARN is on the minus strand). VCF-style: chr16-14447019-A-C. GRCh37 (hg19) VCF-style: chr16-14540876-A-C.
Other names: c.1550T>G, p.Leu517Arg (NM_001134477.3); c.1595T>G, p.Leu532Arg (NM_001242992.2); short protein forms L517R, L532R, L578R.
Identifiers: ClinVar variation 1053555 (VCV001053555.12), dbSNP rs748575531, ClinGen allele CA7911940.

ClinVar aggregate classification (germline): Uncertain significance. Review status: criteria provided, multiple submitters, no conflicts (2 of 4 stars). 3 submissions from 3 submitters: Uncertain significance (3). Last evaluated 2025-10-29.

Conditions:
Dyskeratosis congenita, autosomal recessive 6 (DKCB6). Identifiers: MedGen C4225356, MONDO:0014600, OMIM 616353.
Pulmonary fibrosis and/or bone marrow failure, Telomere-related, 4. Also called: PULMONARY FIBROSIS AND/OR BONE MARROW FAILURE SYNDROME, TELOMERE-RELATED, 4. Identifiers: Orphanet 2032, MedGen C4225347, MONDO:0014612, OMIM 616371.

Allele frequency attached by ClinVar (database versions not stated): TOPMed 0.00001; gnomAD exomes 0.00021; ExAC 0.00022.
gnomAD v4.1: 140 of 1,613,790 alleles (0.0087%); highest among the groups gnomAD compares: South Asian, 0.14%; 1 homozygote.

Submissions (3):

Labcorp Genetics (formerly Invitae), Labcorp
Classification: Uncertain significance for Dyskeratosis congenita, autosomal recessive 6; Pulmonary fibrosis and/or bone marrow failure, Telomere-related, 4. Last evaluated: 2025-10-29. Review status: criteria provided, single submitter. Criteria: Invitae Variant Classification Sherloc (09022015). Collection method: clinical testing. Allele origin: germline.
Comment: This sequence change replaces leucine, which is neutral and non-polar, with arginine, which is basic and polar, at codon 578 of the PARN protein (p.Leu578Arg). This variant is present in population databases (rs748575531, gnomAD 0.2%). This variant has not been reported in the literature in individuals affected with PARN-related conditions. ClinVar contains an entry for this variant (Variation ID: 1053555). An algorithm developed to predict the effect of missense changes on protein structure and function (PolyPhen-2) suggests that this variant is likely to be tolerated. In summary, the available evidence is currently insufficient to determine the role of this variant in disease. Therefore, it has been classified as a Variant of Uncertain Significance.

Blueprint Genetics
Classification: Uncertain significance. Last evaluated: 2023-05-03. Review status: criteria provided, single submitter. Criteria: ACMG Guidelines, 2015. Collection method: clinical testing. Allele origin: germline.

Revvity Omics, Revvity
Classification: Uncertain significance. Last evaluated: 2020-01-03. Review status: criteria provided, single submitter. Criteria: ACMG Guidelines, 2015. Collection method: clinical testing. Allele origin: germline.